The following is an entry in ClinVar:

ClinVar aggregate classification (germline): Uncertain significance (1 of 4 stars; one submission).

Conditions:
Leber congenital amaurosis 6 (LCA6). Identifiers: Orphanet 65, MedGen C1854260, MONDO:0013446, OMIM 613826.
Cone-rod dystrophy 13 (CORD13). Identifiers: Orphanet 1872, MedGen C2750720, MONDO:0011987, OMIM 608194.

Submission:

Labcorp Genetics (formerly Invitae), Labcorp
Classification: Uncertain significance for Leber congenital amaurosis 6; Cone-rod dystrophy 13. Last evaluated: 2022-05-05. Review status: criteria provided, single submitter. Criteria: Invitae Variant Classification Sherloc (09022015). Collection method: clinical testing. Allele origin: germline.
Comment: This variant has not been reported in the literature in individuals affected with RPGRIP1-related conditions. In summary, the available evidence is currently insufficient to determine the role of this variant in disease. Therefore, it has been classified as a Variant of Uncertain Significance. Algorithms developed to predict the effect of missense changes on protein structure and function are either unavailable or do not agree on the potential impact of this missense change (SIFT: "Deleterious"; PolyPhen-2: "Benign"; Align-GVGD: "Class C0"). This variant is not present in population databases (gnomAD no frequency). This sequence change replaces serine, which is neutral and polar, with arginine, which is basic and polar, at codon 229 of the RPGRIP1 protein (p.Ser229Arg).

NM_020366.4(RPGRIP1):c.687C>A (p.Ser229Arg)

Gene: RPGRIP1 (RPGR interacting protein 1; plus strand). Cytogenetic location: 14q11.2.
Variant type: single nucleotide variant.
Coding change: c.687C>A on transcript NM_020366.4 (MANE Select); coding-DNA position 687, C replaced by A.
Protein change: p.Ser229Arg; replaces serine 229 with arginine.
Molecular consequence: missense variant.
Genome position (GRCh38, 1-based): chr14:21,303,430, C>A. VCF-style: chr14-21303430-C-A. GRCh37 (hg19) VCF-style: chr14-21771589-C-A.
Other names: short protein forms S229R.
Identifiers: ClinVar variation 2132319 (VCV002132319.4), dbSNP rs2502711362, ClinGen allele CA388860667.